The following is an entry in ClinVar:

NM_018668.5(VPS33B):c.217C>A (p.Pro73Thr)

Gene: VPS33B (VPS33B late endosome and lysosome associated; minus strand). Cytogenetic location: 15q26.1.
Variant type: single nucleotide variant.
Coding change: c.217C>A on transcript NM_018668.5 (MANE Select); coding-DNA position 217, C replaced by A.
Protein change: p.Pro73Thr; replaces proline 73 with threonine.
Molecular consequence: missense variant. On other transcripts: intron variant (1).
Genome position (GRCh38, 1-based): chr15:91,016,985, G>T on the plus strand (C>A on the coding strand, the complement: VPS33B is on the minus strand). VCF-style: chr15-91016985-G-T. GRCh37 (hg19) VCF-style: chr15-91560215-G-T.
Other names: c.136C>A, p.Pro46Thr (NM_001289148.1); c.-35+820C>A (NM_001289149.1); c.217C>A (NM_018668.3); short protein forms P46T, P73T.
Identifiers: ClinVar variation 2203120 (VCV002203120.4), dbSNP rs1480482875, ClinGen allele CA393861140.

ClinVar aggregate classification (germline): Uncertain significance. Review status: criteria provided, multiple submitters, no conflicts (2 of 4 stars). 2 submissions from 2 submitters: Uncertain significance (2). Last evaluated 2025-08-26.

Conditions:
Inborn genetic diseases. Identifiers: MedGen C0950123, MeSH D030342.

Submissions (2):

Ambry Genetics
Classification: Uncertain significance for Inborn genetic diseases. Last evaluated: 2025-08-26. Review status: criteria provided, single submitter. Criteria: Ambry Variant Classification Scheme 2023. Collection method: clinical testing. Allele origin: germline.

Labcorp Genetics (formerly Invitae), Labcorp
Classification: Uncertain significance. Last evaluated: 2022-10-17. Review status: criteria provided, single submitter. Criteria: Invitae Variant Classification Sherloc (09022015). Collection method: clinical testing. Allele origin: germline.
Comment: This sequence change replaces proline, which is neutral and non-polar, with threonine, which is neutral and polar, at codon 73 of the VPS33B protein (p.Pro73Thr). This variant is present in population databases (no rsID available, gnomAD 0.006%). This variant has not been reported in the literature in individuals affected with VPS33B-related conditions. Advanced modeling of protein sequence and biophysical properties (such as structural, functional, and spatial information, amino acid conservation, physicochemical variation, residue mobility, and thermodynamic stability) performed at Invitae indicates that this missense variant is not expected to disrupt VPS33B protein function. In summary, the available evidence is currently insufficient to determine the role of this variant in disease. Therefore, it has been classified as a Variant of Uncertain Significance.